The following is an entry in ClinVar:

ClinVar aggregate classification (germline): Uncertain significance (1 of 4 stars; one submission).

Conditions:
Saldino-Mainzer syndrome (SRTD9). Also called: CONORENAL SYNDROME; Renal dysplasia, retinal pigmentary dystrophy, cerebellar ataxia and skeletal dysplasia; SHORT-RIB THORACIC DYSPLASIA 9 WITHOUT POLYDACTYLY; short-rib thoracic dysplasia 9 with or without polydactyly. Identifiers: Orphanet 140969, MedGen C1849437, MONDO:0009964, OMIM 266920.

gnomAD v4.1: 4 of 1,613,780 alleles (0.00025%); highest among the groups gnomAD compares: African/African-American, 0.0013%; no homozygotes.

Submission:

Labcorp Genetics (formerly Invitae), Labcorp
Classification: Uncertain significance for Saldino-Mainzer syndrome. Last evaluated: 2022-01-18. Review status: criteria provided, single submitter. Criteria: Invitae Variant Classification Sherloc (09022015). Collection method: clinical testing. Allele origin: germline.
Comment: Algorithms developed to predict the effect of missense changes on protein structure and function (SIFT, PolyPhen-2, Align-GVGD) all suggest that this variant is likely to be tolerated. In summary, the available evidence is currently insufficient to determine the role of this variant in disease. Therefore, it has been classified as a Variant of Uncertain Significance. This variant has not been reported in the literature in individuals affected with IFT140-related conditions. This variant is not present in population databases (gnomAD no frequency). This sequence change replaces histidine, which is basic and polar, with arginine, which is basic and polar, at codon 445 of the IFT140 protein (p.His445Arg).

NM_014714.4(IFT140):c.1334A>G (p.His445Arg)

Genes: IFT140 (intraflagellar transport 140; minus strand), LOC105371046 (uncharacterized LOC105371046; plus strand). Cytogenetic location: 16p13.3.
Variant type: single nucleotide variant.
Coding change: c.1334A>G on transcript NM_014714.4 (MANE Select); coding-DNA position 1334, A replaced by G.
Protein change: p.His445Arg; replaces histidine 445 with arginine.
Molecular consequence: missense variant.
Genome position (GRCh38, 1-based): chr16:1,584,242, T>C on the plus strand (A>G on the coding strand, the complement: IFT140 is on the minus strand). VCF-style: chr16-1584242-T-C. GRCh37 (hg19) VCF-style: chr16-1634243-T-C.
Other names: short protein forms H445R.
Identifiers: ClinVar variation 1364414 (VCV001364414.8), dbSNP rs2141817075, ClinGen allele CA394214447.